The following is an entry in ClinVar:

ClinVar aggregate classification (germline): Uncertain significance. Review status: criteria provided, multiple submitters, no conflicts (2 of 4 stars). 2 submissions from 2 submitters: Uncertain significance (2). Last evaluated 2024-10-01.

Conditions:
Inborn genetic diseases. Identifiers: MedGen C0950123, MeSH D030342.

gnomAD v4.1: 5 of 1,614,014 alleles (0.00031%); highest among the groups gnomAD compares: Admixed American, 0.0067%; no homozygotes.

Submissions (2):

Ambry Genetics
Classification: Uncertain significance for Inborn genetic diseases. Last evaluated: 2024-10-01. Review status: criteria provided, single submitter. Criteria: Ambry Variant Classification Scheme 2023. Collection method: clinical testing. Allele origin: germline.

Labcorp Genetics (formerly Invitae), Labcorp
Classification: Uncertain significance. Last evaluated: 2021-11-29. Review status: criteria provided, single submitter. Criteria: Invitae Variant Classification Sherloc (09022015). Collection method: clinical testing. Allele origin: germline.
Comment: This sequence change replaces methionine, which is neutral and non-polar, with isoleucine, which is neutral and non-polar, at codon 747 of the IMPG2 protein (p.Met747Ile). This variant is present in population databases (rs201394380, gnomAD 0.01%). This variant has not been reported in the literature in individuals affected with IMPG2-related conditions. Algorithms developed to predict the effect of missense changes on protein structure and function output the following: SIFT: "Tolerated"; PolyPhen-2: "Benign"; Align-GVGD: "Class C0". The isoleucine amino acid residue is found in multiple mammalian species, which suggests that this missense change does not adversely affect protein function. In summary, the available evidence is currently insufficient to determine the role of this variant in disease. Therefore, it has been classified as a Variant of Uncertain Significance.

NM_016247.4(IMPG2):c.2241G>A (p.Met747Ile)

Gene: IMPG2 (interphotoreceptor matrix proteoglycan 2; minus strand). Cytogenetic location: 3q12.3.
Variant type: single nucleotide variant.
Coding change: c.2241G>A on transcript NM_016247.4 (MANE Select); coding-DNA position 2241, G replaced by A.
Protein change: p.Met747Ile; replaces methionine 747 with isoleucine.
Molecular consequence: missense variant.
Genome position (GRCh38, 1-based): chr3:101,244,090, C>T on the plus strand (G>A on the coding strand, the complement: IMPG2 is on the minus strand). VCF-style: chr3-101244090-C-T. GRCh37 (hg19) VCF-style: chr3-100962934-C-T.
Other names: c.2241G>A (NM_016247.3); short protein forms M747I.
Identifiers: ClinVar variation 1432614 (VCV001432614.4), dbSNP rs201394380, ClinGen allele CA2519013.